The following is an entry in ClinVar:

ClinVar aggregate classification (germline): Uncertain significance. Review status: criteria provided, multiple submitters, no conflicts (2 of 4 stars). 2 submissions from 2 submitters: Uncertain significance (2). Last evaluated 2025-04-14.

Conditions:
Baller-Gerold syndrome (BGS). Also called: CRANIOSYNOSTOSIS WITH RADIAL DEFECTS. Identifiers: Orphanet 1225, MedGen C0265308, MONDO:0009039, OMIM 218600.
Inborn genetic diseases. Identifiers: MedGen C0950123, MeSH D030342.

Allele frequency attached by ClinVar (database versions not stated): gnomAD exomes below 0.00001.
gnomAD v4.1: 1 of 1,612,094 alleles (0.000062%); highest among the groups gnomAD compares: African/African-American, 0.0013%; no homozygotes.

Submissions (2):

Labcorp Genetics (formerly Invitae), Labcorp
Classification: Uncertain significance for Baller-Gerold syndrome. Last evaluated: 2025-04-14. Review status: criteria provided, single submitter. Criteria: Invitae Variant Classification Sherloc (09022015). Collection method: clinical testing. Allele origin: germline.
Comment: This sequence change replaces alanine, which is neutral and non-polar, with threonine, which is neutral and polar, at codon 111 of the RECQL4 protein (p.Ala111Thr). This variant is not present in population databases (gnomAD no frequency). This variant has not been reported in the literature in individuals affected with RECQL4-related conditions. ClinVar contains an entry for this variant (Variation ID: 662404). Invitae Evidence Modeling of protein sequence and biophysical properties (such as structural, functional, and spatial information, amino acid conservation, physicochemical variation, residue mobility, and thermodynamic stability) indicates that this missense variant is not expected to disrupt RECQL4 protein function with a negative predictive value of 80%. In summary, the available evidence is currently insufficient to determine the role of this variant in disease. Therefore, it has been classified as a Variant of Uncertain Significance.

Ambry Genetics
Classification: Uncertain significance for Inborn genetic diseases. Last evaluated: 2024-12-09. Review status: criteria provided, single submitter. Criteria: Ambry Variant Classification Scheme 2023. Collection method: clinical testing. Allele origin: germline.
Comment: The p.A111T variant (also known as c.331G>A), located in coding exon 4 of the RECQL4 gene, results from a G to A substitution at nucleotide position 331. The alanine at codon 111 is replaced by threonine, an amino acid with similar properties. This amino acid position is conserved. In addition, this alteration is predicted to be tolerated by in silico analysis. Based on the available evidence, the clinical significance of this variant remains unclear.

NM_004260.4(RECQL4):c.331G>A (p.Ala111Thr)

Gene: RECQL4 (RecQ like helicase 4; minus strand). Cytogenetic location: 8q24.3.
Variant type: single nucleotide variant.
Coding change: c.331G>A on transcript NM_004260.4 (MANE Select); coding-DNA position 331, G replaced by A.
Protein change: p.Ala111Thr; replaces alanine 111 with threonine.
Molecular consequence: missense variant.
Genome position (GRCh38, 1-based): chr8:144,517,073, C>T on the plus strand (G>A on the coding strand, the complement: RECQL4 is on the minus strand). VCF-style: chr8-144517073-C-T. GRCh37 (hg19) VCF-style: chr8-145742457-C-T.
Other names: short protein forms A111T.
Identifiers: ClinVar variation 662404 (VCV000662404.6), dbSNP rs1586830068, ClinGen allele CA372691959.